The following is an entry in ClinVar:

NM_004700.4(KCNQ4):c.909C>T (p.Phe303=)

Gene: KCNQ4 (potassium voltage-gated channel subfamily Q member 4; plus strand). Cytogenetic location: 1p34.2.
Variant type: single nucleotide variant.
Coding change: c.909C>T on transcript NM_004700.4 (MANE Select); coding-DNA position 909, C replaced by T.
Protein change: p.Phe303=; no amino-acid change (phenylalanine 303 retained).
Molecular consequence: synonymous variant.
Genome position (GRCh38, 1-based): chr1:40,819,949, C>T. VCF-style: chr1-40819949-C-T. GRCh37 (hg19) VCF-style: chr1-41285621-C-T.
Other names: c.909C>T, p.Phe303= (NM_172163.3).
Identifiers: ClinVar variation 227470 (VCV000227470.8), dbSNP rs773015201, ClinGen allele CA794675.
Genomic context (GRCh38, chr1:40,819,949, plus strand): 5'-CATCGGCTATGGTGACAAGACACCGCACACATGGCTGGGCAGGGTCCTGGCTGCTGGCTT[C>T]GCCTTACTGGGCATCTCTTTCTTTGCCCTGCCTGCCGTGAGTTGCCTCCTGCTCAGTTGG-3'
Protein context (NP_004691.2, residues 293-313): TWLGRVLAAG[Phe303=]ALLGISFFAL

ClinVar aggregate classification (germline): Likely benign. Review status: criteria provided, multiple submitters, no conflicts (2 of 4 stars). 3 submissions from 3 submitters: Likely benign (3). Last evaluated 2023-12-01.

Allele frequency attached by ClinVar (database versions not stated): gnomAD exomes 0.00001 and 0.00002; gnomAD 0.00010 and 0.00011; TOPMed 0.00010.
gnomAD v4.1: 28 of 1,614,104 alleles (0.0017%); highest among the groups gnomAD compares: African/African-American, 0.021%; no homozygotes.

Submissions (3):

Labcorp Genetics (formerly Invitae), Labcorp
Classification: Likely benign. Last evaluated: 2023-12-01. Review status: criteria provided, single submitter. Criteria: Invitae Variant Classification Sherloc (09022015). Collection method: clinical testing. Allele origin: germline.

Blueprint Genetics
Classification: Likely benign. Last evaluated: 2017-12-05. Review status: criteria provided, single submitter. Criteria: ACMG Guidelines, 2015. Collection method: clinical testing. Allele origin: germline.

Laboratory for Molecular Medicine, Mass General Brigham Personalized Medicine
Classification: Likely benign. Last evaluated: 2016-03-31. Review status: criteria provided, single submitter. Criteria: LMM Criteria. Collection method: clinical testing. Allele origin: germline. Observed: 3 variant alleles.
Comment: p.Phe303Phe in exon 06 of KCNQ4: This variant is not expected to have clinical s ignificance because it does not alter an amino acid residue, and it is not locat ed within the splice consensus sequence. This variant has been identified in 3/1 0406 African chromosomes by the Exome Aggregation Consortium (ExAC.; dbSNP rs141327099).